The following is an entry in ClinVar:

GRCh38/hg38 17q25.3(chr17:82523093-83072065)x1

Genes: B3GNTL1 (UDP-GlcNAc:betaGal beta-1,3-N-acetylglucosaminyltransferase like 1), FN3K (fructosamine 3 kinase; plus strand), FN3KRP (fructosamine 3 kinase related protein; plus strand), FOXK2 (forkhead box K2; plus strand), FOXK2-AS1 (FOXK2 antisense RNA 1; minus strand) and 37 more. Cytogenetic location: 17q25.3.
Variant type: copy number loss.
Change: copy number 1 (one copy instead of two) of chr17:82,523,093-83,072,065 (549.0 kb, GRCh38 coordinates, 1-based), cytogenetic band 17q25.3.
Identifiers: ClinVar variation 58300 (VCV000058300.1).

ClinVar aggregate classification (germline): Uncertain significance (1 of 4 stars; one submission).

Submission:

ISCA site 15
Classification: Uncertain significance. Last evaluated: 2011-08-12. Review status: criteria provided, single submitter. Criteria: Kaminsky et al. (Genet Med. 2011). Collection method: clinical testing. Allele origin: paternal. Affected: yes. Observed: 1 variant allele.
Comment: Copy number variation identified through the course of routine clinical cytogenomic testing in postnatal populations. Clinical assertions have been curated as described in Kaminsky et al. 2011.